The following is an entry in ClinVar:

NM_152564.5(VPS13B):c.3397C>T (p.Pro1133Ser)

Gene: VPS13B (vacuolar protein sorting 13 homolog B; plus strand). Cytogenetic location: 8q22.2.
Variant type: single nucleotide variant.
Coding change: c.3397C>T on transcript NM_152564.5 (MANE Select); coding-DNA position 3397, C replaced by T.
Protein change: p.Pro1133Ser; replaces proline 1133 with serine.
Molecular consequence: missense variant.
Genome position (GRCh38, 1-based): chr8:99,442,587, C>T. VCF-style: chr8-99442587-C-T. GRCh37 (hg19) VCF-style: chr8-100454815-C-T.
Other names: c.3397C>T, p.Pro1133Ser (NM_017890.5); c.3397C>T (NM_152564.4); short protein forms P1133S.
Identifiers: ClinVar variation 225021 (VCV000225021.7), dbSNP rs781781537, ClinGen allele CA358240.
Genomic context (GRCh38, chr8:99,442,587, plus strand): 5'-ACACTTGTCCTCTGTTTGCCTCAAATAAAGATTATTAGTGCTGGGCACAAGTATATGGAA[C>T]CTCTGCAGGAGATTCCATTTGTTATCCCACGACCCATCCTTGAAGAAGGTATATGTTAAC-3'
Protein context (NP_689777.3, residues 1123-1143): IISAGHKYME[Pro1133Ser]LQEIPFVIPR

ClinVar aggregate classification (germline): Uncertain significance. Review status: criteria provided, multiple submitters, no conflicts (2 of 4 stars). 2 submissions from 2 submitters: Uncertain significance (2). Last evaluated 2025-09-17.

Conditions:
VPS13B-related disorder. Also called: VPS13B-related condition.
Inborn genetic diseases. Identifiers: MedGen C0950123, MeSH D030342.
Cohen syndrome (COH1). Also called: Cutis verticis gyrata, retinitis pigmentosa, and sensorineural deafness; PEPPER SYNDROME. Identifiers: Orphanet 193, MedGen C0265223, MONDO:0008999, OMIM 216550.

Allele frequency attached by ClinVar (database versions not stated): TOPMed below 0.00001.
gnomAD v4.1: 15 of 1,613,934 alleles (0.00093%); highest among the groups gnomAD compares: Non-Finnish European, 0.0013%; no homozygotes.

Submissions (2):

PreventionGenetics, part of Exact Sciences
Classification: Uncertain significance for VPS13B-related condition. Last evaluated: 2025-09-17. Review status: criteria provided, single submitter. Criteria: ACMG Guidelines, 2015. Collection method: clinical testing. Allele origin: germline.
Comment: The VPS13B c.3397C>T variant is predicted to result in the amino acid substitution p.Pro1133Ser. This variant was reported in an individual with Cohen syndrome (Supplemental Table 3, Farwell et al. 2015. PubMed ID: 25356970). This variant is reported in 0.00088% of alleles in individuals of European (Non-Finnish) descent in gnomAD. At this time, the clinical significance of this variant is uncertain due to the absence of conclusive functional and genetic evidence.

Ambry Genetics
Classification: Uncertain significance for Inborn genetic diseases. Last evaluated: 2022-11-03. Review status: criteria provided, single submitter. Criteria: Ambry Variant Classification Scheme 2023. Collection method: clinical testing. Allele origin: germline.
Comment: The c.3397C>T (p.P1133S) alteration is located in exon 23 (coding exon 22) of the VPS13B gene. This alteration results from a C to T substitution at nucleotide position 3397, causing the proline (P) at amino acid position 1133 to be replaced by a serine (S). Based on data from gnomAD, the T allele has an overall frequency of <0.001% (1/251222) total alleles studied. The highest observed frequency was 0.001% (1/113590) of European (non-Finnish) alleles. This amino acid position is highly conserved in available vertebrate species. This alteration is predicted to be tolerated by in silico analysis. Based on insufficient or conflicting evidence, the clinical significance of this alteration remains unclear.